The following is an entry in ClinVar:

ClinVar aggregate classification (germline): Uncertain significance. Review status: criteria provided, multiple submitters, no conflicts (2 of 4 stars). 2 submissions from 2 submitters: Uncertain significance (2). Last evaluated 2025-12-11.

Allele frequency attached by ClinVar (database versions not stated): ExAC 0.00001.
gnomAD v4.1: 2 of 1,613,730 alleles (0.00012%); highest among the groups gnomAD compares: Admixed American, 0.0033%; no homozygotes.

Submissions (2):

Ambry Genetics
Classification: Uncertain significance. Last evaluated: 2025-12-11. Review status: criteria provided, single submitter. Criteria: Ambry Variant Classification Scheme 2023. Collection method: clinical testing. Allele origin: germline.

Labcorp Genetics (formerly Invitae), Labcorp
Classification: Uncertain significance. Last evaluated: 2022-10-05. Review status: criteria provided, single submitter. Criteria: Invitae Variant Classification Sherloc (09022015). Collection method: clinical testing. Allele origin: germline.
Comment: This sequence change replaces aspartic acid, which is acidic and polar, with histidine, which is basic and polar, at codon 20 of the NAF1 protein (p.Asp20His). This variant is present in population databases (rs780528596, gnomAD 0.006%). This variant has not been reported in the literature in individuals affected with NAF1-related conditions. Algorithms developed to predict the effect of missense changes on protein structure and function (SIFT, PolyPhen-2, Align-GVGD) all suggest that this variant is likely to be tolerated. In summary, the available evidence is currently insufficient to determine the role of this variant in disease. Therefore, it has been classified as a Variant of Uncertain Significance.

NM_138386.3(NAF1):c.58G>C (p.Asp20His)

Gene: NAF1 (nuclear assembly factor 1 ribonucleoprotein; minus strand). Cytogenetic location: 4q32.2.
Variant type: single nucleotide variant.
Coding change: c.58G>C on transcript NM_138386.3 (MANE Select); coding-DNA position 58, G replaced by C.
Protein change: p.Asp20His; replaces aspartic acid 20 with histidine.
Molecular consequence: missense variant.
Genome position (GRCh38, 1-based): chr4:163,166,670, C>G on the plus strand (G>C on the coding strand, the complement: NAF1 is on the minus strand). VCF-style: chr4-163166670-C-G. GRCh37 (hg19) VCF-style: chr4-164087822-C-G.
Other names: c.58G>C, p.Asp20His (NM_001128931.2); c.58G>C (NM_138386.2); short protein forms D20H.
Identifiers: ClinVar variation 1931478 (VCV001931478.6), dbSNP rs780528596, ClinGen allele CA3126493.